The following is an entry in ClinVar:

ClinVar aggregate classification (germline): Uncertain significance (1 of 4 stars; one submission).

Conditions:
Inborn genetic diseases. Identifiers: MedGen C0950123, MeSH D030342.

gnomAD v4.1: 1 of 1,614,138 alleles (0.000062%); no homozygotes.

Submission:

Ambry Genetics
Classification: Uncertain significance for Inborn genetic diseases. Last evaluated: 2025-10-13. Review status: criteria provided, single submitter. Criteria: Ambry Variant Classification Scheme 2023. Collection method: clinical testing. Allele origin: germline.
Comment: The p.L244V variant (also known as c.730T>G), located in coding exon 8 of the FANCA gene, results from a T to G substitution at nucleotide position 730. The leucine at codon 244 is replaced by valine, an amino acid with highly similar properties. This amino acid position is conserved. In addition, this alteration is predicted to be tolerated by in silico analysis. Based on the available evidence, the clinical significance of this variant remains unclear.

NM_000135.4(FANCA):c.730T>G (p.Leu244Val)

Gene: FANCA (FA complementation group A; minus strand). Cytogenetic location: 16q24.3.
Variant type: single nucleotide variant.
Coding change: c.730T>G on transcript NM_000135.4 (MANE Select); coding-DNA position 730, T replaced by G.
Protein change: p.Leu244Val; replaces leucine 244 with valine.
Molecular consequence: missense variant.
Genome position (GRCh38, 1-based): chr16:89,803,321, A>C on the plus strand (T>G on the coding strand, the complement: FANCA is on the minus strand). VCF-style: chr16-89803321-A-C. GRCh37 (hg19) VCF-style: chr16-89869729-A-C.
Other names: c.730T>G, p.Leu244Val (NM_001018112.3, NM_001286167.3); c.634T>G, p.Leu212Val (NM_001351830.2); short protein forms L212V, L244V.
Identifiers: ClinVar variation 4619199 (VCV004619199.1).
Genomic context (GRCh38, chr16:89,803,321, plus strand): 5'-GCGGCATTTTTTCAGGCTCCACAGTTCTTCTCAGATCTGAGTTTTTCTGAAATCCCCTCA[A>C]AACAAACATTTGAACAAAATCTGAAAAACCATAAAACCAAAGTTATTTATGGACATCATG-3'
Protein context (NP_000126.2, residues 234-254): MLSDFVQMFV[Leu244Val]RGFQKNSDLR